The following is an entry in ClinVar:

ClinVar aggregate classification (germline): Benign. Review status: criteria provided, multiple submitters, no conflicts (2 of 4 stars). 2 submissions from 2 submitters: Benign (2). Last evaluated 2018-06-19.

Allele frequency attached by ClinVar (database versions not stated): gnomAD exomes 0.02397; 1000 Genomes Project 0.06350; gnomAD 0.06484 and 0.06900; 1000 Genomes Project 30x 0.06605; TOPMed 0.06710.
gnomAD v4.1: 20,397 of 588,838 alleles (3.5%); highest among the groups gnomAD compares: African/African-American, 17%; 941 homozygotes.

Submissions (2):

GeneDx
Classification: Benign. Last evaluated: 2018-06-19. Review status: criteria provided, single submitter. Criteria: GeneDx Variant Classification (06012015). Collection method: clinical testing. Allele origin: germline. Affected: yes.
Comment: This variant is considered likely benign or benign based on one or more of the following criteria: it is a conservative change, it occurs at a poorly conserved position in the protein, it is predicted to be benign by multiple in silico algorithms, and/or has population frequency not consistent with disease.

Breakthrough Genomics
Classification: Benign. Review status: criteria provided, single submitter. Criteria: ACMG Guidelines, 2015. Collection method: not provided. Allele origin: germline. Inheritance: Autosomal dominant inheritance. Affected: yes.

NM_012470.4(TNPO3):c.1691-114T>A

Gene: TNPO3 (transportin 3; minus strand). Cytogenetic location: 7q32.1.
Variant type: single nucleotide variant.
Coding change: c.1691-114T>A on transcript NM_012470.4 (MANE Select); 114 bases into the intron before coding-DNA position 1691, T replaced by A.
Molecular consequence: intron variant.
Genome position (GRCh38, 1-based): chr7:128,984,373, A>T on the plus strand (T>A on the coding strand, the complement: TNPO3 is on the minus strand). VCF-style: chr7-128984373-A-T. GRCh37 (hg19) VCF-style: chr7-128624427-A-T.
Other names: c.1547-114T>A (NM_001382221.1); c.1544-114T>A (NM_001382222.1); c.1583-114T>A (NM_001382219.1); c.1499-114T>A (NM_001382223.1, NM_001191028.3); c.1691-114T>A (NM_001382220.1, NM_001382218.1); c.1793-114T>A (NM_001382216.1); c.1772-114T>A (NM_001382217.1).
Identifiers: ClinVar variation 674432 (VCV000674432.2), dbSNP rs7788977, ClinGen allele CA12704226.
Genomic context (GRCh38, chr7:128,984,373, plus strand): 5'-TAACTGGACTACATCATGTGAGTGACCAGAAAAAGCGAACTGGTTTGGTTCCATTCTTTT[A>T]AAAAGATCAGCATTGTTTTTTAAAATGACAACACTTTGTTATTTACAGTTGTTTTTTCTT-3'